The following is an entry in ClinVar:

ClinVar aggregate classification (germline): Conflicting classifications of pathogenicity. Review status: criteria provided, conflicting classifications (1 of 4 stars). 3 submissions from 3 submitters: Uncertain significance (1); Likely benign (2). Last evaluated 2026-01-07.

Conditions:
Charcot-Marie-Tooth disease axonal type 2O. Also called: Charcot-Marie-Tooth Neuropathy Type 2O; CHARCOT-MARIE-TOOTH NEUROPATHY, AXONAL, TYPE 2O; CHARCOT-MARIE-TOOTH DISEASE, AXONAL, AUTOSOMAL DOMINANT, TYPE 2O; Charcot-Marie-Tooth disease, axonal, type 20. Identifiers: Orphanet 284232, MedGen C3280220, MONDO:0013644, OMIM 614228.

Allele frequency attached by ClinVar (database versions not stated): gnomAD exomes 0.00001 and 0.00002; ExAC 0.00002; gnomAD 0.00002 and 0.00003; TOPMed 0.00005.
gnomAD v4.1: 22 of 1,613,940 alleles (0.0014%); highest among the groups gnomAD compares: East Asian, 0.0089%; no homozygotes.

Submissions (3):

Labcorp Genetics (formerly Invitae), Labcorp
Classification: Likely benign for Charcot-Marie-Tooth disease axonal type 2O. Last evaluated: 2026-01-07. Review status: criteria provided, single submitter. Criteria: Invitae Variant Classification Sherloc (09022015). Collection method: clinical testing. Allele origin: germline.

ARUP Laboratories, Molecular Genetics and Genomics, ARUP Laboratories
Classification: Uncertain significance. Last evaluated: 2023-12-12. Review status: criteria provided, single submitter. Criteria: ARUP Molecular Germline Variant Investigation Process 2024. Collection method: clinical testing. Allele origin: germline.
Comment: The DYNC1H1 c.12213C>T; p.Ile4071= variant (rs746950373) is reported in the literature in one individual affected with sporadic amyotrophic lateral sclerosis (Scarlino 2020). This variant is also reported in ClinVar (Variation ID: 680420). This variant is found in the non-Finnish European population with an allele frequency of 0.004% (5/113748 alleles) in the Genome Aggregation Database (v2.1.1). This is a synonymous variant and computational analyses (Alamut Visual Plus v.1.5.1) predict that this variant does not alter splicing. However, since this variant is located within the minimal splice region, the clinical significance of the p.Ile4071= variant is uncertain at this time. References: Scarlino S et al. Burden of Rare Variants in ALS and Axonal Hereditary Neuropathy Genes Influence Survival in ALS: Insights from a Next Generation Sequencing Study of an Italian ALS Cohort. Int J Mol Sci. 2020 May 8;21(9):3346. PMID: 32397312.

GeneDx
Classification: Likely benign. Last evaluated: 2019-09-04. Review status: criteria provided, single submitter. Criteria: GeneDx Variant Classification Process June 2021. Collection method: clinical testing. Allele origin: germline. Affected: yes.

NM_001376.5(DYNC1H1):c.12213C>T (p.Ile4071=)

Gene: DYNC1H1 (dynein cytoplasmic 1 heavy chain 1; plus strand). Cytogenetic location: 14q32.31.
Variant type: single nucleotide variant.
Coding change: c.12213C>T on transcript NM_001376.5 (MANE Select); coding-DNA position 12213, C replaced by T.
Protein change: p.Ile4071=; no amino-acid change (isoleucine 4071 retained).
Molecular consequence: synonymous variant.
Genome position (GRCh38, 1-based): chr14:102,042,123, C>T. VCF-style: chr14-102042123-C-T. GRCh37 (hg19) VCF-style: chr14-102508460-C-T.
Identifiers: ClinVar variation 680420 (VCV000680420.12), dbSNP rs746950373, ClinGen allele CA7353852.
Genomic context (GRCh38, chr14:102,042,123, plus strand): 5'-CAGTGGACATGTCGAGGACCTTGCAGCCGAGCAGAACACGCAGATCACTTCAATTGCAAT[C>T]GGTAAGGATGCTTGAGGGGCTTCATGGGCTGGAGCCCTGCAGGATTTGTGGTGGGCATTG-3'
Protein context (NP_001367.2, residues 4061-4081): EQNTQITSIA[Ile4071=]GSAEGFNQAD